The following is an entry in ClinVar:

ClinVar aggregate classification (germline): Uncertain significance (1 of 4 stars; one submission).

Allele frequency attached by ClinVar (database versions not stated): gnomAD exomes below 0.00001.

Submission:

Labcorp Genetics (formerly Invitae), Labcorp
Classification: Uncertain significance. Last evaluated: 2023-02-01. Review status: criteria provided, single submitter. Criteria: Invitae Variant Classification Sherloc (09022015). Collection method: clinical testing. Allele origin: germline.
Comment: This sequence change replaces lysine, which is basic and polar, with arginine, which is basic and polar, at codon 64 of the CETP protein (p.Lys64Arg). This variant is not present in population databases (gnomAD no frequency). This variant has not been reported in the literature in individuals affected with CETP-related conditions. Advanced modeling of protein sequence and biophysical properties (such as structural, functional, and spatial information, amino acid conservation, physicochemical variation, residue mobility, and thermodynamic stability) performed at Invitae indicates that this missense variant is not expected to disrupt CETP protein function. In summary, the available evidence is currently insufficient to determine the role of this variant in disease. Therefore, it has been classified as a Variant of Uncertain Significance.

NM_000078.3(CETP):c.191A>G (p.Lys64Arg)

Gene: CETP (cholesteryl ester transfer protein; plus strand). Cytogenetic location: 16q13.
Variant type: single nucleotide variant.
Coding change: c.191A>G on transcript NM_000078.3 (MANE Select); coding-DNA position 191, A replaced by G.
Protein change: p.Lys64Arg; replaces lysine 64 with arginine.
Molecular consequence: missense variant.
Genome position (GRCh38, 1-based): chr16:56,963,082, A>G. VCF-style: chr16-56963082-A-G. GRCh37 (hg19) VCF-style: chr16-56996994-A-G.
Other names: c.191A>G, p.Lys64Arg (NM_001286085.2); short protein forms K64R.
Identifiers: ClinVar variation 3005180 (VCV003005180.3), dbSNP rs2543635386, ClinGen allele CA395996794.
Genomic context (GRCh38, chr16:56,963,082, plus strand): 5'-CTGCCAAGGTGATCCAGACCGCCTTCCAGCGAGCCAGCTACCCAGATATCACGGGCGAGA[A>G]GGCCATGATGCTCCTTGGCCAAGTCAAGTATGGGTTGCACAAGTGAGTCGGGCCTCGGGT-3'
Protein context (NP_000069.2, residues 54-74): RASYPDITGE[Lys64Arg]AMMLLGQVKY